The following is an entry in ClinVar:

NM_001142800.2(EYS):c.2622G>T (p.Gln874His)

Gene: EYS (EGF-like photoreceptor maintenance factor; minus strand). Cytogenetic location: 6q12.
Variant type: single nucleotide variant.
Coding change: c.2622G>T on transcript NM_001142800.2 (MANE Select); coding-DNA position 2622, G replaced by T.
Protein change: p.Gln874His; replaces glutamine 874 with histidine.
Molecular consequence: missense variant.
Genome position (GRCh38, 1-based): chr6:64,912,503, C>A on the plus strand (G>T on the coding strand, the complement: EYS is on the minus strand). VCF-style: chr6-64912503-C-A. GRCh37 (hg19) VCF-style: chr6-65622396-C-A.
Other names: c.2622G>T, p.Gln874His (NM_001292009.2); c.2622G>T (NM_001142800.1); short protein forms Q874H.
Identifiers: ClinVar variation 1060252 (VCV001060252.5), dbSNP rs377592930, ClinGen allele CA3877268.

ClinVar aggregate classification (germline): Conflicting classifications of pathogenicity. Review status: criteria provided, conflicting classifications (1 of 4 stars). 4 submissions from 4 submitters: Uncertain significance (2); Likely benign (1). 1 of the submissions does not count toward it. Last evaluated 2024-05-26.

Conditions:
Inborn genetic diseases. Identifiers: MedGen C0950123, MeSH D030342.
Retinitis pigmentosa 25 (RP25). Identifiers: Orphanet 791, MedGen C1864446, MONDO:0011272, OMIM 602772.

Allele frequency attached by ClinVar (database versions not stated): gnomAD exomes 0.00001.
gnomAD v4.1: 5 of 1,550,906 alleles (0.00032%); highest among the groups gnomAD compares: Middle Eastern, 0.017%; no homozygotes.

Submissions (4):

Ambry Genetics
Classification: Likely benign for Inborn genetic diseases. Last evaluated: 2024-05-26. Review status: criteria provided, single submitter. Criteria: Ambry Variant Classification Scheme 2023. Collection method: clinical testing. Allele origin: germline.

Blueprint Genetics
Classification: Uncertain significance. Last evaluated: 2024-05-03. Review status: criteria provided, single submitter. Criteria: ACMG Guidelines, 2015. Collection method: clinical testing. Allele origin: germline.

Labcorp Genetics (formerly Invitae), Labcorp
Classification: Uncertain significance. Last evaluated: 2022-02-04. Review status: criteria provided, single submitter. Criteria: Invitae Variant Classification Sherloc (09022015). Collection method: clinical testing. Allele origin: germline.
Comment: This sequence change replaces glutamine, which is neutral and polar, with histidine, which is basic and polar, at codon 874 of the EYS protein (p.Gln874His). This variant is present in population databases (rs377592930, gnomAD 0.003%). This variant has not been reported in the literature in individuals affected with EYS-related conditions. ClinVar contains an entry for this variant (Variation ID: 1060252). Algorithms developed to predict the effect of missense changes on protein structure and function output the following: SIFT: "Tolerated"; PolyPhen-2: "Benign"; Align-GVGD: "Class C0". The histidine amino acid residue is found in multiple mammalian species, which suggests that this missense change does not adversely affect protein function. In summary, the available evidence is currently insufficient to determine the role of this variant in disease. Therefore, it has been classified as a Variant of Uncertain Significance.

Natera, Inc.
Classification: Uncertain significance for Retinitis pigmentosa type 25. Last evaluated: 2020-11-05. Review status: no assertion criteria provided. Collection method: clinical testing. Allele origin: germline. Not counted in ClinVar's aggregate classification.